The following is an entry in ClinVar:

ClinVar aggregate classification (germline): Likely pathogenic. Review status: criteria provided, multiple submitters, no conflicts (2 of 4 stars). 4 submissions from 4 submitters: Likely pathogenic (4). Last evaluated 2025-01-03.

Conditions:
GALE-related disorder. Also called: GALE-related condition.
UDPglucose-4-epimerase deficiency. Also called: UDPglucose 4-Epimerase Deficiency Disease; GALACTOSEMIA III; GALE DEFICIENCY; Epimerase Deficiency Galactosemia; UDP-GALACTOSE-4-EPIMERASE DEFICIENCY; Galactose epimerase deficiency. Identifiers: Orphanet 352, Orphanet 79238, MedGen C0751161, MONDO:0009257, OMIM 230350.

Allele frequency attached by ClinVar (database versions not stated): gnomAD exomes 0.00001; TOPMed 0.00001; ExAC 0.00003; ESP Exome Variant Server 0.00008.
gnomAD v4.1: 18 of 1,614,026 alleles (0.0011%); highest among the groups gnomAD compares: East Asian, 0.018%; no homozygotes.

Submissions (4):

3billion
Classification: Likely pathogenic for UDPglucose-4-epimerase deficiency. Last evaluated: 2025-01-03. Review status: criteria provided, single submitter. Criteria: ACMG Guidelines, 2015. Collection method: clinical testing. Allele origin: germline. Affected: yes.
Comment: The variant is observed at an extremely low frequency in the gnomAD v4.1.0 dataset (total allele frequency: 0.001%). Predicted Consequence/Location: Missense variant In silico tool predictions suggest damaging effect of the variant on gene or gene product [REVEL: 0.81 (>=0.6, sensitivity 0.68 and specificity 0.92)]. The same nucleotide change resulting in the same amino acid change has been previously reported as pathogenic/likely pathogenic with strong evidence (ClinVar ID: VCV002503917 /PMID: 16301867). Therefore, this variant is classified as Likely pathogenic according to the recommendation of ACMG/AMP guideline.

Labcorp Genetics (formerly Invitae), Labcorp
Classification: Likely pathogenic for UDPglucose-4-epimerase deficiency. Last evaluated: 2024-05-12. Review status: criteria provided, single submitter. Criteria: Invitae Variant Classification Sherloc (09022015). Collection method: clinical testing. Allele origin: germline.
Comment: This sequence change replaces arginine, which is basic and polar, with histidine, which is basic and polar, at codon 335 of the GALE protein (p.Arg335His). This variant is present in population databases (rs368637540, gnomAD 0.006%). This missense change has been observed in individual(s) with galactosemia (PMID: 16301867). ClinVar contains an entry for this variant (Variation ID: 2503917). Advanced modeling of protein sequence and biophysical properties (such as structural, functional, and spatial information, amino acid conservation, physicochemical variation, residue mobility, and thermodynamic stability) performed at Invitae indicates that this missense variant is not expected to disrupt GALE protein function with a negative predictive value of 80%. Experimental studies have shown that this missense change affects GALE function (PMID: 16302980, 19250319). In summary, the currently available evidence indicates that the variant is pathogenic, but additional data are needed to prove that conclusively. Therefore, this variant has been classified as Likely Pathogenic.

Women's Health and Genetics/Laboratory Corporation of America, LabCorp
Classification: Likely pathogenic for UDPglucose-4-epimerase deficiency. Last evaluated: 2023-04-25. Review status: criteria provided, single submitter. Criteria: LabCorp Variant Classification Summary - May 2015. Collection method: clinical testing. Allele origin: germline.
Comment: Variant summary: GALE c.1004G>A (p.Arg335His) results in a non-conservative amino acid change in the encoded protein sequence. Four of five in-silico tools predict a damaging effect of the variant on protein function. The variant allele was found at a frequency of 1.2e-05 in 250928 control chromosomes. c.1004G>A has been reported in the literature in at least two compound heterozygous newborns with severely reduced enzyme activity in red blood cells, but without obvious clinical symptoms, suggesting that they had the benign- or peripheral form of UDPglucose-4-Epimerase Deficiency (Park_2005), and in at least another individual with epimerase-deficiency galactosemia, however no phenotype details were provided (Henderson_2001). Publications also reported experimental evidence evaluating an impact on protein function, and demonstrated a moderate decrease in UDP-galactose epimerization activity, ranging from ~40 to 70% of the wild-type (Timson_2005, Bang_2009). The following publications have been ascertained in the context of this evaluation (PMID: 19250319, 16302980, 16301867, 11903335). No clinical diagnostic laboratories have submitted clinical-significance assessments for this variant to ClinVar after 2014. Based on the evidence outlined above, the variant was classified for the peripheral form of the disease as likely pathogenic.

PreventionGenetics, part of Exact Sciences
Classification: Likely pathogenic for GALE-related condition. Last evaluated: 2023-01-03. Review status: criteria provided, single submitter. Criteria: ACMG Guidelines, 2015. Collection method: clinical testing. Allele origin: germline.
Comment: The GALE c.1004G>A variant is predicted to result in the amino acid substitution p.Arg335His. This variant has been reported in the compound heterozygous state in two individuals with galactosaemia epimerase deficiency (Park et al 2005. PubMed ID: 16301867; 2005. PubMed ID: 16302980). Arg335 is located on α-helix 10 on the protein surface (McCorvie et al. 2013. PubMed ID: 23644136). Functional studies showed that this variant causes mild defects in enzyme activity (Timson et al. 2005. PubMed ID: 16302980; Bang YL et al 2009. PubMed ID: 19250319). This variant is reported in 0.0054% of alleles in individuals of East Asian descent in gnomAD. This variant is interpreted as likely pathogenic.

Literature cited by the submitters: PubMed 16301867 (cited by 3 submitters); PubMed 16302980 (cited by Labcorp Genetics (formerly Invitae), Labcorp and Women's Health and Genetics/Laboratory Corporation of America, LabCorp); PubMed 19250319 (cited by Labcorp Genetics (formerly Invitae), Labcorp and Women's Health and Genetics/Laboratory Corporation of America, LabCorp); PubMed 11903335 (cited by Women's Health and Genetics/Laboratory Corporation of America, LabCorp).

NM_001008216.2(GALE):c.1004G>A (p.Arg335His)

Gene: GALE (UDP-galactose-4-epimerase; minus strand). Cytogenetic location: 1p36.11.
Variant type: single nucleotide variant.
Coding change: c.1004G>A on transcript NM_001008216.2 (MANE Select); coding-DNA position 1004, G replaced by A.
Protein change: p.Arg335His; replaces arginine 335 with histidine.
Molecular consequence: missense variant.
Genome position (GRCh38, 1-based): chr1:23,795,992, C>T on the plus strand (G>A on the coding strand, the complement: GALE is on the minus strand). VCF-style: chr1-23795992-C-T. GRCh37 (hg19) VCF-style: chr1-24122482-C-T.
Other names: c.1004G>A (NM_000403.3); c.1004G>A, p.Arg335His (NM_000403.4, NM_001127621.2); short protein forms R335H.
Identifiers: ClinVar variation 2503917 (VCV002503917.6), dbSNP rs368637540, ClinGen allele CA685396.
Genomic context (GRCh38, chr1:23,795,992, plus strand): 5'-TTGGTAGGGGAGGGTCCTCAGGCTTGCGTGCCAAAGCCTGAAGGATTCTGCTTCTGCCAG[C>T]GCCAGAGATCCTCACCTGCAACACGGCGAGGTGTGTGCTCAGGGCCCACGGTGGAATGCA-3'
Protein context (NP_001008217.1, residues 325-345): GLDRMCEDLW[Arg335His]WQKQNPSGFG